The following is an entry in ClinVar:

ClinVar aggregate classification (germline): Likely benign. Review status: criteria provided, multiple submitters, no conflicts (2 of 4 stars). 4 submissions from 4 submitters: Likely benign (4). Last evaluated 2026-01-21.

Conditions:
Mitochondrial complex II deficiency, nuclear type 1. Also called: SUCCINATE CoQ REDUCTASE DEFICIENCY. Identifiers: Orphanet 3208, MedGen C5700310, MONDO:0100294, OMIM 252011.
Pheochromocytoma/paraganglioma syndrome 5. Also called: Paragangliomas 5; SDHA-Related Hereditary Paraganglioma-Pheochromocytoma Syndrome. Identifiers: Orphanet 29072, MedGen C3279992, MONDO:0013602, OMIM 614165.
Hereditary cancer-predisposing syndrome. Also called: Neoplastic Syndromes, Hereditary; Hereditary Cancer Syndrome; Hereditary neoplastic syndrome; Tumor predisposition. Identifiers: Orphanet 140162, MedGen C0027672, MeSH D009386, MONDO:0015356.

Allele frequency attached by ClinVar (database versions not stated): gnomAD exomes below 0.00001; ExAC 0.00001; gnomAD 0.00003 and 0.00004; TOPMed 0.00006.
gnomAD v4.1: 11 of 1,612,384 alleles (0.00068%); highest among the groups gnomAD compares: African/African-American, 0.0067%; no homozygotes.

Submissions (4):

Labcorp Genetics (formerly Invitae), Labcorp
Classification: Likely benign for Pheochromocytoma/paraganglioma syndrome 5; Mitochondrial complex II deficiency, nuclear type 1. Last evaluated: 2026-01-21. Review status: criteria provided, single submitter. Criteria: Invitae Variant Classification Sherloc (09022015). Collection method: clinical testing. Allele origin: germline.

Myriad Genetics, Inc.
Classification: Likely benign for Pheochromocytoma/paraganglioma syndrome 5. Last evaluated: 2025-02-28. Review status: criteria provided, single submitter. Criteria: Myriad Autosomal Dominant, Autosomal Recessive and X-Linked Classification Criteria (2023). Collection method: clinical testing. Allele origin: unknown.
Comment: This variant is considered likely benign. This variant is intronic and is not expected to impact mRNA splicing.

Ambry Genetics
Classification: Likely benign for Hereditary cancer-predisposing syndrome. Last evaluated: 2022-08-25. Review status: criteria provided, single submitter. Criteria: Ambry Variant Classification Scheme 2023. Collection method: clinical testing. Allele origin: germline.

Sema4
Classification: Likely benign for Hereditary cancer-predisposing syndrome. Last evaluated: 2020-09-22. Review status: criteria provided, single submitter. Criteria: Sema4 Curation Guidelines. Collection method: curation. Allele origin: germline.

NM_004168.4(SDHA):c.457-4A>G

Gene: SDHA (succinate dehydrogenase complex flavoprotein subunit A; plus strand). Cytogenetic location: 5p15.33.
Variant type: single nucleotide variant.
Coding change: c.457-4A>G on transcript NM_004168.4 (MANE Select); 4 bases into the intron before coding-DNA position 457, A replaced by G.
Molecular consequence: intron variant.
Genome position (GRCh38, 1-based): chr5:225,879, A>G. VCF-style: chr5-225879-A-G. GRCh37 (hg19) VCF-style: chr5-225994-A-G.
Other names: c.457-4A>G (NM_001330758.2); c.313-4A>G (NM_001294332.2).
Identifiers: ClinVar variation 472392 (VCV000472392.16), dbSNP rs770052391, ClinGen allele CA3172853.